The following is an entry in ClinVar:

NM_012431.3(SEMA3E):c.1273G>A (p.Val425Ile)

Gene: SEMA3E (semaphorin 3E; minus strand). Cytogenetic location: 7q21.11.
Variant type: single nucleotide variant.
Coding change: c.1273G>A on transcript NM_012431.3 (MANE Select); coding-DNA position 1273, G replaced by A.
Protein change: p.Val425Ile; replaces valine 425 with isoleucine.
Molecular consequence: missense variant.
Genome position (GRCh38, 1-based): chr7:83,400,121, C>T on the plus strand (G>A on the coding strand, the complement: SEMA3E is on the minus strand). VCF-style: chr7-83400121-C-T. GRCh37 (hg19) VCF-style: chr7-83029437-C-T.
Other names: c.1093G>A, p.Val365Ile (NM_001178129.2); short protein forms V365I, V425I.
Identifiers: ClinVar variation 1984977 (VCV001984977.4), dbSNP rs1279078088, ClinGen allele CA367927403.

ClinVar aggregate classification (germline): Uncertain significance (1 of 4 stars; one submission).

Conditions:
CHARGE syndrome (CHARGE). Also called: Hittner Hirsch Kreh syndrome; CHARGE ASSOCIATION--COLOBOMA, HEART ANOMALY, CHOANAL ATRESIA, RETARDATION, GENITAL AND EAR ANOMALIES; Coloboma, heart anomaly, choanal atresia, retardation, genital and ear anomalies; CHARGE association; Hall-Hittner syndrome. Identifiers: Orphanet 138, MedGen C0265354, MONDO:0008965.

Allele frequency attached by ClinVar (database versions not stated): gnomAD exomes below 0.00001; TOPMed 0.00001.
gnomAD v4.1: 1 of 1,613,970 alleles (0.000062%); highest among the groups gnomAD compares: Admixed American, 0.0017%; no homozygotes.

Submission:

Labcorp Genetics (formerly Invitae), Labcorp
Classification: Uncertain significance for CHARGE syndrome. Last evaluated: 2025-06-12. Review status: criteria provided, single submitter. Criteria: Invitae Variant Classification Sherloc (09022015). Collection method: clinical testing. Allele origin: germline.
Comment: This sequence change replaces valine, which is neutral and non-polar, with isoleucine, which is neutral and non-polar, at codon 425 of the SEMA3E protein (p.Val425Ile). This variant is present in population databases (no rsID available, gnomAD 0.006%). This variant has not been reported in the literature in individuals affected with SEMA3E-related conditions. ClinVar contains an entry for this variant (Variation ID: 1984977). An algorithm developed to predict the effect of missense changes on protein structure and function (PolyPhen-2) suggests that this variant is likely to be tolerated. In summary, the available evidence is currently insufficient to determine the role of this variant in disease. Therefore, it has been classified as a Variant of Uncertain Significance.